The following is an entry in ClinVar:

ClinVar aggregate classification (germline): Uncertain significance. Review status: criteria provided, multiple submitters, no conflicts (2 of 4 stars). 2 submissions from 2 submitters: Uncertain significance (2). Last evaluated 2025-11-08.

Conditions:
Developmental and epileptic encephalopathy, 53. Also called: Epileptic encephalopathy, early infantile, 53. Identifiers: MedGen C4479313, MONDO:0033362, OMIM 617389.
Early-onset Parkinson disease 20. Also called: PARKINSON DISEASE 20, AUTOSOMAL RECESSIVE EARLY-ONSET. Identifiers: Orphanet 391411, MedGen C3809824, MONDO:0014233, OMIM 615530.

Allele frequency attached by ClinVar (database versions not stated): TOPMed 0.00001.
gnomAD v4.1: 7 of 1,511,138 alleles (0.00046%); highest among the groups gnomAD compares: Non-Finnish European, 0.00062%; no homozygotes.

Submissions (2):

Mayo Clinic Laboratories, Mayo Clinic
Classification: Uncertain significance. Last evaluated: 2025-11-08. Review status: criteria provided, single submitter. Criteria: ACMG Guidelines, 2015. Collection method: clinical testing. Allele origin: germline. Observed: 1 variant allele.

Labcorp Genetics (formerly Invitae), Labcorp
Classification: Uncertain significance for Developmental and epileptic encephalopathy, 53; Early-onset Parkinson disease 20. Last evaluated: 2020-03-23. Review status: criteria provided, single submitter. Criteria: Invitae Variant Classification Sherloc (09022015). Collection method: clinical testing. Allele origin: germline.
Comment: In summary, the available evidence is currently insufficient to determine the role of this variant in disease. Therefore, it has been classified as a Variant of Uncertain Significance. Algorithms developed to predict the effect of sequence changes on RNA splicing suggest that this variant may create or strengthen a splice site, but this prediction has not been confirmed by published transcriptional studies. Algorithms developed to predict the effect of missense changes on protein structure and function (SIFT, PolyPhen-2, Align-GVGD) all suggest that this variant is likely to be disruptive, but these predictions have not been confirmed by published functional studies and their clinical significance is uncertain. This variant has not been reported in the literature in individuals with SYNJ1-related conditions. The frequency data for this variant in the population databases is considered unreliable, as metrics indicate insufficient coverage at this position in the ExAC database. This sequence change replaces arginine with serine at codon 1158 of the SYNJ1 protein (p.Arg1158Ser). The arginine residue is highly conserved and there is a moderate physicochemical difference between arginine and serine.

NM_203446.3(SYNJ1):c.3355C>A (p.Arg1119Ser)

Gene: SYNJ1 (synaptojanin 1; minus strand). Cytogenetic location: 21q22.11.
Variant type: single nucleotide variant.
Coding change: c.3355C>A on transcript NM_203446.3 (MANE Select); coding-DNA position 3355, C replaced by A.
Protein change: p.Arg1119Ser; replaces arginine 1119 with serine.
Molecular consequence: missense variant.
Genome position (GRCh38, 1-based): chr21:32,645,682, G>T on the plus strand (C>A on the coding strand, the complement: SYNJ1 is on the minus strand). VCF-style: chr21-32645682-G-T. GRCh37 (hg19) VCF-style: chr21-34017992-G-T.
Other names: p.Arg1158Ser; c.3355C>A, p.Arg1119Ser (NM_001160302.2); c.3340C>A, p.Arg1114Ser (NM_001160306.2); c.3472C>A, p.Arg1158Ser (NM_003895.4); short protein forms R1114S, R1119S, R1158S.
Identifiers: ClinVar variation 1026362 (VCV001026362.10), dbSNP rs1157846436, ClinGen allele CA410068237.
Genomic context (GRCh38, chr21:32,645,682, plus strand): 5'-GAAATGGAAATAAAAGGTTGTCACCTGAAGGCGGAGGAGGTCTCTGTGGGGGAGCCGGGC[G>T]TGTGGGAGGGGCGACCGGGCGGGGCGGCGGCGGCCGCTTGGGCTCCAAGGGCTGGGCGGG-3'
Protein context (NP_982271.3, residues 1109-1129): PPPRPVAPPT[Arg1119Ser]PAPPQRPPPP